The following is an entry in ClinVar:

NM_015030.2(FRYL):c.1246C>T (p.Gln416Ter)

Gene: FRYL (FRY like transcription coactivator; minus strand). Cytogenetic location: 4p11.
Variant type: single nucleotide variant.
Coding change: c.1246C>T on transcript NM_015030.2 (MANE Select); coding-DNA position 1246, C replaced by T.
Protein change: p.Gln416Ter; replaces glutamine 416 with a stop codon.
Molecular consequence: nonsense.
Genome position (GRCh38, 1-based): chr4:48,595,592, G>A on the plus strand (C>T on the coding strand, the complement: FRYL is on the minus strand). VCF-style: chr4-48595592-G-A. GRCh37 (hg19) VCF-style: chr4-48597609-G-A.
Other names: short protein forms Q416*.
Identifiers: ClinVar variation 3342796 (VCV003342796.2).

ClinVar aggregate classification (germline): Uncertain significance (1 of 4 stars; one submission).

gnomAD v4.1: 3 of 1,567,804 alleles (0.00019%); highest among the groups gnomAD compares: African/African-American, 0.0014%; no homozygotes.

Submission:

GeneDx
Classification: Uncertain significance. Last evaluated: 2026-07-27. Review status: criteria provided, single submitter. Criteria: GeneDx Variant Classification Process June 2021. Collection method: clinical testing. Allele origin: germline.
Comment: Nonsense variant predicted to result in protein truncation or nonsense mediated decay in a gene for which loss of function is a known mechanism of disease; Has not been previously published as pathogenic or benign to our knowledge